The following is an entry in ClinVar:

NM_030777.4(SLC2A10):c.369G>C (p.Val123=)

Gene: SLC2A10 (solute carrier family 2 member 10; plus strand). Cytogenetic location: 20q13.12.
Variant type: single nucleotide variant.
Coding change: c.369G>C on transcript NM_030777.4 (MANE Select); coding-DNA position 369, G replaced by C.
Protein change: p.Val123=; no amino-acid change (valine 123 retained).
Molecular consequence: synonymous variant.
Genome position (GRCh38, 1-based): chr20:46,725,405, G>C. VCF-style: chr20-46725405-G-C. GRCh37 (hg19) VCF-style: chr20-45354044-G-C.
Identifiers: ClinVar variation 517786 (VCV000517786.1), dbSNP rs1555887891, ClinGen allele CA510847582.

ClinVar aggregate classification (germline): Likely benign (1 of 4 stars; one submission).

Submission:

GeneDx
Classification: Likely benign. Last evaluated: 2017-03-14. Review status: criteria provided, single submitter. Criteria: GeneDx Variant Classification (06012015). Collection method: clinical testing. Allele origin: germline. Affected: yes.
Comment: This variant is considered likely benign or benign based on one or more of the following criteria: it is a conservative change, it occurs at a poorly conserved position in the protein, it is predicted to be benign by multiple in silico algorithms, and/or has population frequency not consistent with disease.